The following is an entry in ClinVar:

NM_013266.4(CTNNA3):c.457G>C (p.Ala153Pro)

Gene: CTNNA3 (catenin alpha 3; minus strand). Cytogenetic location: 10q21.3.
Variant type: single nucleotide variant.
Coding change: c.457G>C on transcript NM_013266.4 (MANE Select); coding-DNA position 457, G replaced by C.
Protein change: p.Ala153Pro; replaces alanine 153 with proline.
Molecular consequence: missense variant.
Genome position (GRCh38, 1-based): chr10:67,539,505, C>G on the plus strand (G>C on the coding strand, the complement: CTNNA3 is on the minus strand). VCF-style: chr10-67539505-C-G. GRCh37 (hg19) VCF-style: chr10-69299263-C-G.
Other names: c.457G>C, p.Ala153Pro (NM_001127384.3); c.493G>C, p.Ala165Pro (NM_001291133.2); short protein forms A153P, A165P.
Identifiers: ClinVar variation 180310 (VCV000180310.35), dbSNP rs147116577, ClinGen allele CA346270.

ClinVar aggregate classification (germline): Conflicting classifications of pathogenicity. Review status: criteria provided, conflicting classifications (1 of 4 stars). 5 submissions from 5 submitters: Uncertain significance (3); Likely benign (2). Last evaluated 2025-12-24.

Conditions:
Arrhythmogenic right ventricular dysplasia 13. Also called: ARRHYTHMOGENIC RIGHT VENTRICULAR CARDIOMYOPATHY 13; Arrhythmogenic right ventricular dysplasia, familial, 13. Identifiers: MedGen C3810138, MONDO:0000908, OMIM 615616.

Allele frequency attached by ClinVar (database versions not stated): gnomAD 0.00013 and 0.00015; ESP Exome Variant Server 0.00015; gnomAD exomes 0.00031 and 0.00022; ExAC 0.00044; TOPMed 0.00015.

Submissions (5):

Labcorp Genetics (formerly Invitae), Labcorp
Classification: Uncertain significance for Arrhythmogenic right ventricular dysplasia 13. Last evaluated: 2025-12-24. Review status: criteria provided, single submitter. Criteria: Invitae Variant Classification Sherloc (09022015). Collection method: clinical testing. Allele origin: germline.
Comment: This sequence change replaces alanine, which is neutral and non-polar, with proline, which is neutral and non-polar, at codon 153 of the CTNNA3 protein (p.Ala153Pro). This variant is present in population databases (rs147116577, gnomAD 0.06%), and has an allele count higher than expected for a pathogenic variant. This variant has not been reported in the literature in individuals affected with CTNNA3-related conditions. ClinVar contains an entry for this variant (Variation ID: 180310). An algorithm developed to predict the effect of missense changes on protein structure and function (PolyPhen-2) suggests that this variant is likely to be tolerated. In summary, the available evidence is currently insufficient to determine the role of this variant in disease. Therefore, it has been classified as a Variant of Uncertain Significance.

Blueprint Genetics
Classification: Likely benign. Last evaluated: 2024-10-07. Review status: criteria provided, single submitter. Criteria: ACMG Guidelines, 2015. Collection method: clinical testing. Allele origin: germline.

CeGaT Center for Human Genetics Tuebingen
Classification: Likely benign. Last evaluated: 2024-04-01. Review status: criteria provided, single submitter. Criteria: CeGaT Center For Human Genetics Tuebingen Variant Classification Criteria Version 2. Collection method: clinical testing. Allele origin: germline. Affected: yes. Observed: 1 variant allele.
Comment: CTNNA3: BP4

Ambry Genetics
Classification: Uncertain significance. Last evaluated: 2023-10-03. Review status: criteria provided, single submitter. Criteria: Ambry Variant Classification Scheme 2023. Collection method: clinical testing. Allele origin: germline.

Stanford Center for Inherited Cardiovascular Disease, Stanford University
Classification: Uncertain significance. Last evaluated: 2018-01-25. Review status: criteria provided, single submitter. Criteria: ACMG Guidelines, 2015. Collection method: provider interpretation. Allele origin: germline.